The following is an entry in ClinVar:

NM_001283009.2(RTEL1):c.2617G>A (p.Gly873Arg)

Genes: RTEL1-TNFRSF6B (RTEL1-TNFRSF6B readthrough (NMD candidate); plus strand), RTEL1 (regulator of telomere elongation helicase 1; plus strand). Cytogenetic location: 20q13.33.
Variant type: single nucleotide variant.
Coding change: c.2617G>A on transcript NM_001283009.2 (MANE Select); coding-DNA position 2617, G replaced by A.
Protein change: p.Gly873Arg; replaces glycine 873 with arginine.
Molecular consequence: missense variant. On other transcripts: non-coding transcript variant (1).
Genome position (GRCh38, 1-based): chr20:63,691,802, G>A. VCF-style: chr20-63691802-G-A. GRCh37 (hg19) VCF-style: chr20-62323155-G-A.
Other names: c.1948G>A, p.Gly650Arg (NM_001283010.1); c.2617G>A, p.Gly873Arg (NM_016434.4); c.2689G>A, p.Gly897Arg (NM_032957.5); short protein forms G650R, G873R, G897R.
Identifiers: ClinVar variation 971878 (VCV000971878.10), dbSNP rs2090752058, ClinGen allele CA409682417.

ClinVar aggregate classification (germline): Uncertain significance. Review status: criteria provided, multiple submitters, no conflicts (2 of 4 stars). 4 submissions from 4 submitters: Uncertain significance (3). 1 of the submissions does not count toward it. Last evaluated 2025-01-13.

Conditions:
Pulmonary fibrosis and/or bone marrow failure, Telomere-related, 3. Also called: PULMONARY FIBROSIS AND/OR BONE MARROW FAILURE SYNDROME, TELOMERE-RELATED, 3. Identifiers: Orphanet 2032, MedGen C4225346, MONDO:0014613, OMIM 616373.
Dyskeratosis congenita, autosomal recessive 5 (DKCB5). Identifiers: MedGen C3554656, MONDO:0014076, OMIM 615190.
Dyskeratosis congenita. Identifiers: Orphanet 1775, MedGen C0265965, MONDO:0015780.
Inborn genetic diseases. Identifiers: MedGen C0950123, MeSH D030342.

Allele frequency attached by ClinVar (database versions not stated): gnomAD exomes below 0.00001.
gnomAD v4.1: 3 of 1,612,372 alleles (0.00019%); highest among the groups gnomAD compares: Non-Finnish European, 0.00017%; no homozygotes.

Submissions (4):

Ambry Genetics
Classification: Uncertain significance for Inborn genetic diseases. Last evaluated: 2025-01-13. Review status: criteria provided, single submitter. Criteria: Ambry Variant Classification Scheme 2023. Collection method: clinical testing. Allele origin: germline.
Comment: The p.G873R variant (also known as c.2617G>A), located in coding exon 27 of the RTEL1 gene, results from a G to A substitution at nucleotide position 2617. The glycine at codon 873 is replaced by arginine, an amino acid with dissimilar properties. This amino acid position is conserved. In addition, this alteration is predicted to be tolerated by in silico analysis. Based on the available evidence, the clinical significance of this variant remains unclear.

Labcorp Genetics (formerly Invitae), Labcorp
Classification: Uncertain significance for Dyskeratosis congenita, autosomal recessive 5; Pulmonary fibrosis and/or bone marrow failure, Telomere-related, 3. Last evaluated: 2022-08-02. Review status: criteria provided, single submitter. Criteria: Invitae Variant Classification Sherloc (09022015). Collection method: clinical testing. Allele origin: germline.
Comment: This sequence change replaces glycine, which is neutral and non-polar, with arginine, which is basic and polar, at codon 873 of the RTEL1 protein (p.Gly873Arg). This variant is not present in population databases (gnomAD no frequency). This variant has not been reported in the literature in individuals affected with RTEL1-related conditions. ClinVar contains an entry for this variant (Variation ID: 971878). Algorithms developed to predict the effect of missense changes on protein structure and function are either unavailable or do not agree on the potential impact of this missense change (SIFT: "Tolerated"; PolyPhen-2: "Probably Damaging"; Align-GVGD: "Class C0"). In summary, the available evidence is currently insufficient to determine the role of this variant in disease. Therefore, it has been classified as a Variant of Uncertain Significance.

Sema4
Classification: Uncertain significance for Dyskeratosis congenita. Last evaluated: 2021-09-11. Review status: criteria provided, single submitter. Criteria: Sema4 Curation Guidelines. Collection method: curation. Allele origin: germline.
Comment: The RTEL1 c.2617G>A (p.G873R) variant has not been reported in the literature to our knowledge. This variant is also known as c.2689G>A (p.Gly897Arg; NM_032957.4). It was not observed in the large and broad cohorts of the Genome Aggregation Database (PMID: 32461654). The variant has been reported in ClinVar (Variation ID 971878). Functional studies have not been performed, and in silico predictions of the variant's effect on protein function are inconclusive. The evidence is insufficient to meet ACMG/AMP criteria for classifying the variant as benign or pathogenic. Thus, the clinical significance of this variant is currently uncertain.

Natera, Inc.
Classification: Uncertain significance for Dyskeratosis congenita. Last evaluated: 2020-01-24. Review status: no assertion criteria provided. Collection method: clinical testing. Allele origin: germline. Not counted in ClinVar's aggregate classification.